The following is an entry in ClinVar:

NM_001375567.1(FOCAD):c.4702G>A (p.Ala1568Thr)

Gene: FOCAD (focadhesin; plus strand). Cytogenetic location: 9p21.3.
Variant type: single nucleotide variant.
Coding change: c.4702G>A on transcript NM_001375567.1 (MANE Select); coding-DNA position 4702, G replaced by A.
Protein change: p.Ala1568Thr; replaces alanine 1568 with threonine.
Molecular consequence: missense variant.
Genome position (GRCh38, 1-based): chr9:20,982,420, G>A. VCF-style: chr9-20982420-G-A. GRCh37 (hg19) VCF-style: chr9-20982419-G-A.
Other names: c.4597G>A, p.Ala1533Thr (NM_001375568.1, NM_001375570.1); c.4702G>A, p.Ala1568Thr (NM_017794.5); short protein forms A1533T, A1568T.
Identifiers: ClinVar variation 3631743 (VCV003631743.2).

ClinVar aggregate classification (germline): Uncertain significance (1 of 4 stars; one submission).

Submission:

Labcorp Genetics (formerly Invitae), Labcorp
Classification: Uncertain significance. Last evaluated: 2024-03-27. Review status: criteria provided, single submitter. Criteria: Invitae Variant Classification Sherloc (09022015). Collection method: clinical testing. Allele origin: germline.
Comment: This sequence change replaces alanine, which is neutral and non-polar, with threonine, which is neutral and polar, at codon 1568 of the FOCAD protein (p.Ala1568Thr). This variant is present in population databases (no rsID available, gnomAD 0.0009%). This variant has not been reported in the literature in individuals affected with FOCAD-related conditions. Experimental studies and prediction algorithms are not available or were not evaluated, and the functional significance of this variant is currently unknown. In summary, the available evidence is currently insufficient to determine the role of this variant in disease. Therefore, it has been classified as a Variant of Uncertain Significance.